The following is an entry in ClinVar:

ClinVar aggregate classification (germline): Uncertain significance (1 of 4 stars; one submission).

Conditions:
Autosomal recessive limb-girdle muscular dystrophy. Identifiers: Orphanet 102015, MedGen C2931907, MONDO:0015152.

gnomAD v4.1: 10 of 1,614,028 alleles (0.00062%); highest among the groups gnomAD compares: Non-Finnish European, 0.00025%; no homozygotes.

Submission:

Myriad Genetics, Inc.
Classification: Uncertain significance for Autosomal recessive limb-girdle muscular dystrophy. Last evaluated: 2025-09-11. Review status: criteria provided, single submitter. Criteria: Myriad Autosomal Dominant, Autosomal Recessive and X-Linked Classification Criteria (2023). Collection method: clinical testing. Allele origin: unknown.
Comment: NM_003494.3(DYSF):c.5224C>A(H1742N) is a missense variant classified as a variant of uncertain significance in the context of dysferlinopathy. H1742N has been observed in a case with relevant disease (PMID: 39678382). Relevant functional assessments of this variant are not available in the literature. H1742N has been observed in referenced population frequency databases. In summary, there is insufficient evidence to classify NM_003494.3(DYSF):c.5224C>A(H1742N) as pathogenic or benign. Please note: this variant was assessed in the context of healthy population screening.

Literature cited by the submitters: PubMed 39678382.

NM_001130987.2(DYSF):c.5341C>A (p.His1781Asn)

Gene: DYSF (dysferlin; plus strand). Cytogenetic location: 2p13.2.
Variant type: single nucleotide variant.
Coding change: c.5341C>A on transcript NM_001130987.2 (MANE Select); coding-DNA position 5341, C replaced by A.
Protein change: p.His1781Asn; replaces histidine 1781 with asparagine.
Molecular consequence: missense variant.
Genome position (GRCh38, 1-based): chr2:71,667,399, C>A. VCF-style: chr2-71667399-C-A. GRCh37 (hg19) VCF-style: chr2-71894529-C-A.
Other names: c.5227C>A, p.His1743Asn (NM_001130455.2); c.5182C>A, p.His1728Asn (NM_001130976.2); c.5245C>A, p.His1749Asn (NM_001130977.2); c.5287C>A, p.His1763Asn (NM_001130978.2); c.5317C>A, p.His1773Asn (NM_001130979.2); c.5275C>A, p.His1759Asn (NM_001130980.2); c.5338C>A, p.His1780Asn (NM_001130981.2); c.5320C>A, p.His1774Asn (NM_001130982.2); and 5 more; short protein forms H1742N, H1763N, H1773N, H1780N, H1749N, H1750N, H1759N, H1774N.
Identifiers: ClinVar variation 5004163 (VCV005004163.1).